The following is an entry in ClinVar:

NM_015627.3(LDLRAP1):c.344+5G>A

Gene: LDLRAP1 (low density lipoprotein receptor adaptor protein 1; plus strand). Cytogenetic location: 1p36.11.
Variant type: single nucleotide variant.
Coding change: c.344+5G>A on transcript NM_015627.3 (MANE Select); 5 bases into the intron after coding-DNA position 344, G replaced by A.
Molecular consequence: intron variant.
Genome position (GRCh38, 1-based): chr1:25,554,977, G>A. VCF-style: chr1-25554977-G-A. GRCh37 (hg19) VCF-style: chr1-25881468-G-A.
Identifiers: ClinVar variation 3226697 (VCV003226697.3), dbSNP rs768847930, ClinGen allele CA695505.

ClinVar aggregate classification (germline): Uncertain significance. Review status: criteria provided, multiple submitters, no conflicts (2 of 4 stars). 2 submissions from 2 submitters: Uncertain significance (2). Last evaluated 2025-01-25.

Conditions:
Cardiovascular phenotype. Identifiers: MedGen CN230736.

Allele frequency attached by ClinVar (database versions not stated): TOPMed below 0.00001; ExAC 0.00002.
gnomAD v4.1: 10 of 1,607,094 alleles (0.00062%); highest among the groups gnomAD compares: African/African-American, 0.0013%; no homozygotes.

Submissions (2):

Women's Health and Genetics/Laboratory Corporation of America, LabCorp
Classification: Uncertain significance. Last evaluated: 2025-01-25. Review status: criteria provided, single submitter. Criteria: LabCorp Variant Classification Summary - May 2015. Collection method: clinical testing. Allele origin: germline.

Ambry Genetics
Classification: Uncertain significance for Cardiovascular phenotype. Last evaluated: 2023-11-27. Review status: criteria provided, single submitter. Criteria: Ambry Variant Classification Scheme 2023. Collection method: clinical testing. Allele origin: germline.
Comment: The c.344+5G>A intronic variant results from a G to A substitution 5 nucleotides after coding exon 3 in the LDLRAP1 gene. This nucleotide position is well conserved in available vertebrate species. In silico splice site analysis predicts that this alteration will not have any significant effect on splicing. Since supporting evidence is limited at this time, the clinical significance of this alteration remains unclear.